The following is an entry in ClinVar:

NM_014363.6(SACS):c.1310C>G (p.Thr437Arg)

Gene: SACS (sacsin molecular chaperone; minus strand). Cytogenetic location: 13q12.12.
Variant type: single nucleotide variant.
Coding change: c.1310C>G on transcript NM_014363.6 (MANE Select); coding-DNA position 1310, C replaced by G.
Protein change: p.Thr437Arg; replaces threonine 437 with arginine.
Molecular consequence: missense variant.
Genome position (GRCh38, 1-based): chr13:23,355,302, G>C on the plus strand (C>G on the coding strand, the complement: SACS is on the minus strand). VCF-style: chr13-23355302-G-C. GRCh37 (hg19) VCF-style: chr13-23929441-G-C.
Other names: c.869C>G, p.Thr290Arg (NM_001278055.2); short protein forms T290R, T437R.
Identifiers: ClinVar variation 957212 (VCV000957212.9), dbSNP rs199657817, ClinGen allele CA6911932.

ClinVar aggregate classification (germline): Uncertain significance (1 of 4 stars; one submission).

Conditions:
Spastic paraplegia. Identifiers: MedGen C0037772, HP:0001258.

gnomAD v4.1: 12 of 1,614,106 alleles (0.00074%); highest among the groups gnomAD compares: Non-Finnish European, 0.00085%; no homozygotes.

Submission:

Labcorp Genetics (formerly Invitae), Labcorp
Classification: Uncertain significance for Spastic paraplegia. Last evaluated: 2019-10-02. Review status: criteria provided, single submitter. Criteria: Invitae Variant Classification Sherloc (09022015). Collection method: clinical testing. Allele origin: germline.
Comment: In summary, the available evidence is currently insufficient to determine the role of this variant in disease. Therefore, it has been classified as a Variant of Uncertain Significance. Algorithms developed to predict the effect of missense changes on protein structure and function are either unavailable or do not agree on the potential impact of this missense change (SIFT: "Deleterious"; PolyPhen-2: "Benign"; Align-GVGD: "Class C0"). This variant has not been reported in the literature in individuals with SACS-related conditions. This variant is present in population databases (rs199657817, ExAC 0.006%). This sequence change replaces threonine with arginine at codon 437 of the SACS protein (p.Thr437Arg). The threonine residue is moderately conserved and there is a moderate physicochemical difference between threonine and arginine.